The following is an entry in ClinVar:

ClinVar aggregate classification (germline): Benign/Likely benign. Review status: criteria provided, multiple submitters, no conflicts (2 of 4 stars). 2 submissions from 2 submitters: Benign (1); Likely benign (1). Last evaluated 2025-09-05.

gnomAD v4.1: 210 of 1,614,140 alleles (0.013%); highest among the groups gnomAD compares: African/African-American, 0.23%; no homozygotes.

Submissions (2):

Mayo Clinic Laboratories, Mayo Clinic
Classification: Likely benign. Last evaluated: 2025-09-05. Review status: criteria provided, single submitter. Criteria: ACMG Guidelines, 2015. Collection method: clinical testing. Allele origin: germline. Observed: 1 variant allele.
Comment: BS1, BP4, BP7

Labcorp Genetics (formerly Invitae), Labcorp
Classification: Benign. Last evaluated: 2024-05-08. Review status: criteria provided, single submitter. Criteria: Invitae Variant Classification Sherloc (09022015). Collection method: clinical testing. Allele origin: germline.

NM_017415.3(KLHL3):c.1719G>A (p.Thr573=)

Gene: KLHL3 (kelch like family member 3; minus strand). Cytogenetic location: 5q31.2.
Variant type: single nucleotide variant.
Coding change: c.1719G>A on transcript NM_017415.3 (MANE Select); coding-DNA position 1719, G replaced by A.
Protein change: p.Thr573=; no amino-acid change (threonine 573 retained).
Molecular consequence: synonymous variant.
Genome position (GRCh38, 1-based): chr5:137,625,769, C>T on the plus strand (G>A on the coding strand, the complement: KLHL3 is on the minus strand). VCF-style: chr5-137625769-C-T. GRCh37 (hg19) VCF-style: chr5-136961458-C-T.
Other names: p.Thr573=; c.1623G>A, p.Thr541= (NM_001257194.1); c.1473G>A, p.Thr491= (NM_001257195.2).
Identifiers: ClinVar variation 3668924 (VCV003668924.3).